The following is an entry in ClinVar:

ClinVar aggregate classification (germline): Conflicting classifications of pathogenicity. Review status: criteria provided, conflicting classifications (1 of 4 stars). 5 submissions from 4 submitters: Pathogenic (1); Likely pathogenic (1); Uncertain significance (2). 1 of the submissions does not count toward it. Last evaluated 2024-09-20.

Conditions:
FSHR-related disorder. Also called: FSHR-related disorders; FSHR-related condition.
Ovarian hyperstimulation syndrome (OHSS). Also called: OVARIAN HYPERSTIMULATION SYNDROME, FAMILIAL GESTATIONAL SPONTANEOUS. Identifiers: Orphanet 64739, MedGen C0085083, MONDO:0011972, OMIM 608115.
Ovarian dysgenesis 1 (ODG1). Also called: Gonadal dysgenesis XX type deafness; GONADAL DYSGENESIS, XX TYPE; OVARIAN DYSGENESIS, HYPERGONADOTROPIC, AUTOSOMAL RECESSIVE; OVARIAN DYSGENESIS, HYPERGONADOTROPIC, WITH NORMAL KARYOTYPE; OVARIAN FAILURE, HYPERGONADOTROPIC. Identifiers: Orphanet 243, MedGen C0949595, MONDO:0024463, OMIM 233300.

Allele frequency attached by ClinVar (database versions not stated): gnomAD 0.00002; ExAC 0.00003; TOPMed 0.00004.

Submissions (5):

Blueprint Genetics
Classification: Pathogenic for FSHR-related disorders. Last evaluated: 2024-09-20. Review status: criteria provided, single submitter. Criteria: ACMG Guidelines, 2015. Collection method: clinical testing. Allele origin: germline. Affected: yes. Observed: 5 variant alleles.

GeneDx
Classification: Likely pathogenic. Last evaluated: 2017-12-12. Review status: criteria provided, single submitter. Criteria: GeneDx Variant Classification (06012015). Collection method: clinical testing. Allele origin: germline. Affected: yes.
Comment: The I160T variant has been published previously in association with FSHR-related disorders (Binder et al., 2008; Beau et al., 1998). It has also been observed in the heterozygous state with no other FSHR variants in both affected individuals and controls (Binder et al., 2012). The variant was not observed in approximately 6,500 individuals of European and African American ancestry in the NHLBI Exome Sequencing Project, indicating it is not a common benign variant in these populations. I160T is a non-conservative amino acid substitution, which is likely to impact secondary protein structure as these residues differ in polarity, charge, size and/or other properties. This substitution occurs at a position where amino acids with similar properties to Isoleucine are tolerated across species. In silico analysis predicts this variant is probably damaging to the protein structure/function. Additionally, functional studies have shown that I160T lowers FSH binding, cell surface expression, and activity of the FSHR protein compared to wild type (Beau et al., 1998). Therefore, we consider this variant to be likely pathogenic.

Illumina Laboratory Services, Illumina
Classification: Uncertain significance for Ovarian dysgenesis 1. Last evaluated: 2017-04-27. Review status: criteria provided, single submitter. Criteria: ICSL Variant Classification Criteria 13 December 2019. Collection method: clinical testing. Allele origin: germline.
Comment: This variant was observed as part of a predisposition screen in an ostensibly healthy population. A literature search was performed for the gene, cDNA change, and amino acid change (where applicable). Publications were found based on this search. However, the evidence from the literature, in combination with allele frequency data from public databases where available, was not sufficient to rule this variant in or out of causing disease. Therefore, this variant is classified as a variant of unknown significance.

Illumina Laboratory Services, Illumina
Classification: Uncertain significance for Ovarian hyperstimulation syndrome. Last evaluated: 2017-04-27. Review status: criteria provided, single submitter. Criteria: ICSL Variant Classification Criteria 13 December 2019. Collection method: clinical testing. Allele origin: germline.
Comment: the same text as in the submission from Illumina Laboratory Services, Illumina above.

OMIM
Classification: Pathogenic for OVARIAN DYSGENESIS 1. Last evaluated: 1998-10-01. Review status: no assertion criteria provided. Collection method: literature only. Allele origin: germline. Not counted in ClinVar's aggregate classification.

Literature cited by the submitters: PubMed 9769327 (cited by Illumina Laboratory Services, Illumina and OMIM); PubMed 22401810 (cited by Illumina Laboratory Services, Illumina); PubMed 17826728 (cited by Illumina Laboratory Services, Illumina); PubMed 18159088 (cited by Illumina Laboratory Services, Illumina).

NM_000145.4(FSHR):c.479T>C (p.Ile160Thr)

Gene: FSHR (follicle stimulating hormone receptor; minus strand). Cytogenetic location: 2p16.3.
Variant type: single nucleotide variant.
Coding change: c.479T>C on transcript NM_000145.4 (MANE Select); coding-DNA position 479, T replaced by C.
Protein change: p.Ile160Thr; replaces isoleucine 160 with threonine.
Molecular consequence: missense variant. On other transcripts: intron variant (1).
Genome position (GRCh38, 1-based): chr2:48,989,022, A>G on the plus strand (T>C on the coding strand, the complement: FSHR is on the minus strand). VCF-style: chr2-48989022-A-G. GRCh37 (hg19) VCF-style: chr2-49216161-A-G.
Other names: c.446+1544T>C (NM_181446.3); short protein forms I160T.
Identifiers: ClinVar variation 16244 (VCV000016244.7), dbSNP rs121909659, ClinGen allele CA126295.
Genomic context (GRCh38, chr2:48,989,022, plus strand): 5'-TTCCCCCTTACTTACAGAATCACACTTTCAAAGCTCAGCCCCACGAAAGAATTTCTTTCA[A>G]TTGTGTGGATGTTTATGTTATCTTGAATGTCACTAGAAGAAAGTACAGACAAATAAGATA-3'
Protein context (NP_000136.2, residues 150-170): DIQDNINIHT[Ile160Thr]ERNSFVGLSF